The following is an entry in ClinVar:

NM_001035.3(RYR2):c.8552T>C (p.Ile2851Thr)

Gene: RYR2 (ryanodine receptor 2; plus strand). Cytogenetic location: 1q43.
Variant type: single nucleotide variant.
Coding change: c.8552T>C on transcript NM_001035.3 (MANE Select); coding-DNA position 8552, T replaced by C.
Protein change: p.Ile2851Thr; replaces isoleucine 2851 with threonine.
Molecular consequence: missense variant.
Genome position (GRCh38, 1-based): chr1:237,667,920, T>C. VCF-style: chr1-237667920-T-C. GRCh37 (hg19) VCF-style: chr1-237831220-T-C.
Other names: short protein forms I2851T.
Identifiers: ClinVar variation 2561457 (VCV002561457.5), dbSNP rs374327388, ClinGen allele CA087672.

ClinVar aggregate classification (germline): Uncertain significance. Review status: criteria provided, multiple submitters, no conflicts (2 of 4 stars). 3 submissions from 3 submitters: Uncertain significance (3). Last evaluated 2024-03-06.

Conditions:
Cardiomyopathy (CMYO). Also called: Cardiomyopathies. Identifiers: Orphanet 167848, MedGen C0878544, MONDO:0004994, HP:0001638. Inheritance: Various modes of inheritance.
Catecholaminergic polymorphic ventricular tachycardia (CVPT). Also called: Catecholamine-induced polymorphic ventricular tachycardia. Identifiers: Orphanet 3286, MedGen C5574922, MONDO:0017990.
Cardiovascular phenotype. Identifiers: MedGen CN230736.

Allele frequency attached by ClinVar (database versions not stated): gnomAD exomes below 0.00001; TOPMed below 0.00001; ExAC 0.00003; ESP Exome Variant Server 0.00009.
gnomAD v4.1: 5 of 1,585,556 alleles (0.00032%); highest among the groups gnomAD compares: Non-Finnish European, 0.00043%; no homozygotes.

Submissions (3):

Color Diagnostics, LLC DBA Color Health
Classification: Uncertain significance for Cardiomyopathy. Last evaluated: 2024-03-06. Review status: criteria provided, single submitter. Criteria: ACMG Guidelines, 2015. Collection method: clinical testing. Allele origin: germline.
Comment: This missense variant replaces isoleucine with threonine at codon 2851 of the RYR2 protein. Computational prediction suggests that this variant may not impact protein structure and function (internally defined REVEL score threshold <= 0.5, PMID: 27666373). To our knowledge, functional studies have not been reported for this variant. This variant has not been reported in individuals affected with cardiovascular disorders in the literature. This variant has been identified in 1/208990 chromosomes in the general population by the Genome Aggregation Database (gnomAD). The available evidence is insufficient to determine the role of this variant in disease conclusively. Therefore, this variant is classified as a Variant of Uncertain Significance.

Ambry Genetics
Classification: Uncertain significance for Cardiovascular phenotype. Last evaluated: 2023-05-08. Review status: criteria provided, single submitter. Criteria: Ambry Variant Classification Scheme 2023. Collection method: clinical testing. Allele origin: germline.
Comment: The p.I2851T variant (also known as c.8552T>C), located in coding exon 58 of the RYR2 gene, results from a T to C substitution at nucleotide position 8552. The isoleucine at codon 2851 is replaced by threonine, an amino acid with similar properties. This amino acid position is well conserved in available vertebrate species. In addition, this alteration is predicted to be tolerated by in silico analysis. Since supporting evidence is limited at this time, the clinical significance of this alteration remains unclear.

All of Us Research Program, National Institutes of Health
Classification: Uncertain significance for Catecholaminergic polymorphic ventricular tachycardia. Last evaluated: 2023-03-09. Review status: criteria provided, single submitter. Criteria: ACMG Guidelines, 2015. Collection method: clinical testing. Allele origin: germline. Inheritance: Autosomal dominant inheritance. Observed: 1 variant allele, 1 heterozygote.
Comment: This missense variant replaces isoleucine with threonine at codon 2851 of the RYR2 protein. Computational prediction suggests that this variant may not impact protein structure and function (internally defined REVEL score threshold <= 0.5, PMID: 27666373). To our knowledge, functional studies have not been reported for this variant. This variant has not been reported in individuals affected with cardiovascular disorders in the literature. This variant has been identified in 1/208990 chromosomes in the general population by the Genome Aggregation Database (gnomAD). The available evidence is insufficient to determine the role of this variant in disease conclusively. Therefore, this variant is classified as a Variant of Uncertain Significance.

This study involves interpretation of variants in research participants for the purpose of population health screening. Participant phenotype was not available at the time of variant classification. Additional details can be found in publication PMID: 35346344, PMCID: PMC8962531